The following is an entry in ClinVar:

ClinVar aggregate classification (germline): Uncertain significance. Review status: criteria provided, multiple submitters, no conflicts (2 of 4 stars). 3 submissions from 3 submitters: Uncertain significance (3). Last evaluated 2025-12-17.

Conditions:
Ullrich congenital muscular dystrophy 2 (UCMD2). Identifiers: Orphanet 75840, MedGen C4225314, MONDO:0014654, OMIM 616470.
Bethlem myopathy 2 (BTHLM2). Identifiers: Orphanet 536516, Orphanet 610, MedGen C4225313, MONDO:0034022, OMIM 616471.

Allele frequency attached by ClinVar (database versions not stated): TOPMed 0.00002; gnomAD 0.00003; ESP Exome Variant Server 0.00008.
gnomAD v4.1: 33 of 1,613,122 alleles (0.002%); highest among the groups gnomAD compares: African/African-American, 0.0027%; no homozygotes.

Submissions (3):

Women's Health and Genetics/Laboratory Corporation of America, LabCorp
Classification: Uncertain significance. Last evaluated: 2025-12-17. Review status: criteria provided, single submitter. Criteria: LabCorp Variant Classification Summary - May 2015. Collection method: clinical testing. Allele origin: germline.
Comment: Variant summary: COL12A1 c.4000+4C>G alters a nucleotide located close to a canonical splice site and therefore could affect mRNA splicing, leading to a significantly altered protein sequence. Several computational tools predict a significant impact on normal splicing: Three predict the variant weakens the canonical 5' donor site and three predict the variant creates a cryptic 3' acceptor site. However, these predictions have yet to be confirmed by functional studies. The variant allele was found at a frequency of 8e-06 in 248702 control chromosomes. The available data on variant occurrences in the general population are insufficient to allow any conclusion about variant significance. To our knowledge, no occurrence of c.4000+4C>G in individuals affected with COL12A1-related conditions and no experimental evidence demonstrating its impact on protein function have been reported. ClinVar contains an entry for this variant (Variation ID: 374763). Based on the evidence outlined above, the variant was classified as uncertain significance.

Labcorp Genetics (formerly Invitae), Labcorp
Classification: Uncertain significance for Bethlem myopathy 2; Ullrich congenital muscular dystrophy 2. Last evaluated: 2025-08-02. Review status: criteria provided, single submitter. Criteria: Invitae Variant Classification Sherloc (09022015). Collection method: clinical testing. Allele origin: germline.
Comment: This sequence change falls in intron 20 of the COL12A1 gene. It does not directly change the encoded amino acid sequence of the COL12A1 protein. It affects a nucleotide within the consensus splice site. This variant is present in population databases (rs375772555, gnomAD 0.002%). This variant has not been reported in the literature in individuals affected with COL12A1-related conditions. ClinVar contains an entry for this variant (Variation ID: 374763). Variants that disrupt the consensus splice site are a relatively common cause of aberrant splicing (PMID: 17576681, 9536098). Algorithms developed to predict the effect of sequence changes on RNA splicing suggest that this variant is not likely to affect RNA splicing. In summary, the available evidence is currently insufficient to determine the role of this variant in disease. Therefore, it has been classified as a Variant of Uncertain Significance.

CeGaT Center for Human Genetics Tuebingen
Classification: Uncertain significance. Last evaluated: 2016-04-01. Review status: criteria provided, single submitter. Criteria: CeGaT Center For Human Genetics Tuebingen Variant Classification Criteria Version 2. Collection method: clinical testing. Allele origin: germline. Affected: yes. Observed: 1 variant allele.

Literature cited by the submitters: PubMed 17576681 (cited by Labcorp Genetics (formerly Invitae), Labcorp); PubMed 9536098 (cited by Labcorp Genetics (formerly Invitae), Labcorp).

NM_004370.6(COL12A1):c.4000+4C>G

Gene: COL12A1 (collagen type XII alpha 1 chain; minus strand). Cytogenetic location: 6q13.
Variant type: single nucleotide variant.
Coding change: c.4000+4C>G on transcript NM_004370.6 (MANE Select); 4 bases into the intron after coding-DNA position 4000, C replaced by G.
Molecular consequence: intron variant.
Genome position (GRCh38, 1-based): chr6:75,151,863, G>C on the plus strand (C>G on the coding strand, the complement: COL12A1 is on the minus strand). VCF-style: chr6-75151863-G-C. GRCh37 (hg19) VCF-style: chr6-75861579-G-C.
Other names: c.508+4C>G (NM_080645.3).
Identifiers: ClinVar variation 374763 (VCV000374763.52), dbSNP rs375772555, ClinGen allele CA3893574.